The following is an entry in ClinVar:

NM_001018005.2(TPM1):c.27G>A (p.Gln9=)

Gene: TPM1 (tropomyosin 1; plus strand). Cytogenetic location: 15q22.2.
Variant type: single nucleotide variant.
Coding change: c.27G>A on transcript NM_001018005.2 (MANE Select); coding-DNA position 27, G replaced by A.
Protein change: p.Gln9=; no amino-acid change (glutamine 9 retained).
Molecular consequence: synonymous variant.
Genome position (GRCh38, 1-based): chr15:63,042,856, G>A. VCF-style: chr15-63042856-G-A. GRCh37 (hg19) VCF-style: chr15-63335055-G-A.
Other names: c.27G>A, p.Gln9= (NM_000366.6, NM_001018004.2, NM_001018006.2 and 7 more transcripts); c.27G>A (NM_001018020.1).
Identifiers: ClinVar variation 43410 (VCV000043410.65), dbSNP rs397516365, ClinGen allele CA017928.

ClinVar aggregate classification (germline): Conflicting classifications of pathogenicity. Review status: criteria provided, conflicting classifications (1 of 4 stars). 14 submissions from 13 submitters: Uncertain significance (2); Benign (5); Likely benign (5). 2 of the submissions do not count toward it. Last evaluated 2026-07-01.

Conditions:
TPM1-related disorder. Also called: TPM1-related condition.
Cardiovascular phenotype. Identifiers: MedGen CN230736.
Cardiomyopathy (CMYO). Also called: Cardiomyopathies. Identifiers: Orphanet 167848, MedGen C0878544, MONDO:0004994, HP:0001638. Inheritance: Various modes of inheritance.
Hypertrophic cardiomyopathy 3. Also called: TPM1-Related Familial Hypertrophic Cardiomyopathy. Identifiers: MedGen C1861863, MONDO:0007267, OMIM 115196.
Dilated cardiomyopathy 1Y (CMD1Y). Identifiers: Orphanet 154, Orphanet 54260, MedGen C2678476, MONDO:0012744, OMIM 611878.
Hypertrophic cardiomyopathy. Also called: HYPERTROPHIC MYOCARDIOPATHY. Identifiers: Orphanet 217569, MedGen C0007194, MeSH D002312, MONDO:0005045, HP:0001639.

Allele frequency attached by ClinVar (database versions not stated): gnomAD 0.00005 and 0.00006; ExAC 0.00006; TOPMed 0.00008; gnomAD exomes 0.00011.

Submissions (14):

CeGaT Center for Human Genetics Tuebingen
Classification: Likely benign. Last evaluated: 2026-07-01. Review status: criteria provided, single submitter. Criteria: CeGaT Center For Human Genetics Tuebingen Variant Classification Criteria Version 2. Collection method: clinical testing. Allele origin: germline. Affected: yes. Observed: 4 variant alleles.
Comment: TPM1: BP4, BP7

PreventionGenetics, part of Exact Sciences
Classification: Likely benign for TPM1-related condition. Last evaluated: 2026-04-03. Review status: criteria provided, single submitter. Criteria: ACMG Guidelines, 2015. Collection method: clinical testing. Allele origin: germline.
Comment: This variant is classified as likely benign based on ACMG/AMP sequence variant interpretation guidelines (Richards et al. 2015 PMID: 25741868, with internal and published modifications).

Labcorp Genetics (formerly Invitae), Labcorp
Classification: Benign for Hypertrophic cardiomyopathy. Last evaluated: 2026-01-27. Review status: criteria provided, single submitter. Criteria: Invitae Variant Classification Sherloc (09022015). Collection method: clinical testing. Allele origin: germline.

Women's Health and Genetics/Laboratory Corporation of America, LabCorp
Classification: Benign. Last evaluated: 2024-12-06. Review status: criteria provided, single submitter. Criteria: LabCorp Variant Classification Summary - May 2015. Collection method: clinical testing. Allele origin: germline.

All of Us Research Program, National Institutes of Health
Classification: Benign for Hypertrophic cardiomyopathy. Last evaluated: 2024-02-05. Review status: criteria provided, single submitter. Criteria: ACMG Guidelines, 2015. Collection method: clinical testing. Allele origin: germline. Inheritance: Autosomal dominant inheritance. Observed: 22 variant alleles, 22 heterozygotes.
Comment: This study involves interpretation of variants in research participants for the purpose of population health screening. Participant phenotype was not available at the time of variant classification. Additional details can be found in publication PMID: 35346344, PMCID: PMC8962531

Color Diagnostics, LLC DBA Color Health
Classification: Benign for Cardiomyopathy. Last evaluated: 2018-10-22. Review status: criteria provided, single submitter. Criteria: ACMG Guidelines, 2015. Collection method: clinical testing. Allele origin: germline.

Illumina Laboratory Services, Illumina
Classification: Uncertain significance for Dilated cardiomyopathy 1Y. Last evaluated: 2018-01-13. Review status: criteria provided, single submitter. Criteria: ICSL Variant Classification Criteria 13 December 2019. Collection method: clinical testing. Allele origin: germline.

Illumina Laboratory Services, Illumina
Classification: Uncertain significance for Hypertrophic cardiomyopathy 3. Last evaluated: 2018-01-13. Review status: criteria provided, single submitter. Criteria: ICSL Variant Classification Criteria 13 December 2019. Collection method: clinical testing. Allele origin: germline.

Ambry Genetics
Classification: Likely benign for Cardiovascular phenotype. Last evaluated: 2017-09-18. Review status: criteria provided, single submitter. Criteria: Ambry Variant Classification Scheme 2023. Collection method: clinical testing. Allele origin: germline.

CHEO Genetics Diagnostic Laboratory, Children's Hospital of Eastern Ontario
Classification: Likely benign for Cardiomyopathy. Last evaluated: 2017-09-05. Review status: criteria provided, single submitter. Criteria: ACMG Guidelines, 2015. Collection method: clinical testing. Allele origin: germline. Study: Canadian Open Genetics Repository.

GeneDx
Classification: Benign. Last evaluated: 2015-03-03. Review status: criteria provided, single submitter. Criteria: GeneDx Variant Classification Process June 2021. Collection method: clinical testing. Allele origin: germline. Affected: yes.

Laboratory for Molecular Medicine, Mass General Brigham Personalized Medicine
Classification: Likely benign. Last evaluated: 2013-09-20. Review status: criteria provided, single submitter. Criteria: LMM Criteria. Collection method: clinical testing. Allele origin: germline. Observed: 3 variant alleles.
Comment: Gln9Gln in exon 1 of TPM1: This variant is not expected to have clinical signifi cance because it does not alter an amino acid residue and is not located within the splice consensus sequence. Gln9Gln in exon 1 of TPM1 (allele frequency = n/ a)

Clinical Genetics, Academic Medical Center
Classification: Benign. Review status: no assertion criteria provided. Collection method: clinical testing. Allele origin: germline. Affected: yes. Study: VKGL Data-share Consensus. Not counted in ClinVar's aggregate classification.

Joint Genome Diagnostic Labs from Nijmegen and Maastricht, Radboudumc and MUMC+
Classification: Likely benign. Review status: no assertion criteria provided. Collection method: clinical testing. Allele origin: germline. Affected: yes. Study: VKGL Data-share Consensus. Not counted in ClinVar's aggregate classification.